The following is an entry in ClinVar:

NM_006005.3(WFS1):c.1337G>A (p.Ser446Asn)

Gene: WFS1 (wolframin ER transmembrane glycoprotein; plus strand). Cytogenetic location: 4p16.1.
Variant type: single nucleotide variant.
Coding change: c.1337G>A on transcript NM_006005.3 (MANE Select); coding-DNA position 1337, G replaced by A.
Protein change: p.Ser446Asn; replaces serine 446 with asparagine.
Molecular consequence: missense variant.
Genome position (GRCh38, 1-based): chr4:6,301,132, G>A. VCF-style: chr4-6301132-G-A. GRCh37 (hg19) VCF-style: chr4-6302859-G-A.
Other names: c.1337G>A, p.Ser446Asn (NM_001145853.1); short protein forms S446N.
Identifiers: ClinVar variation 3981552 (VCV003981552.2).

ClinVar aggregate classification (germline): Uncertain significance. Review status: criteria provided, multiple submitters, no conflicts (2 of 4 stars). 2 submissions from 2 submitters: Uncertain significance (2). Last evaluated 2025-06-07.

Conditions:
Inborn genetic diseases. Identifiers: MedGen C0950123, MeSH D030342.

Submissions (2):

Ambry Genetics
Classification: Uncertain significance for Inborn genetic diseases. Last evaluated: 2025-06-07. Review status: criteria provided, single submitter. Criteria: Ambry Variant Classification Scheme 2023. Collection method: clinical testing. Allele origin: germline.

GeneDx
Classification: Uncertain significance. Last evaluated: 2025-01-15. Review status: criteria provided, single submitter. Criteria: GeneDx Variant Classification Process June 2021. Collection method: clinical testing. Allele origin: germline. Affected: yes.
Comment: Not observed at significant frequency in large population cohorts (gnomAD); In silico analysis indicates that this missense variant does not alter protein structure/function; Has not been previously published as pathogenic or benign to our knowledge